The following is an entry in ClinVar:

NM_000526.5(KRT14):c.1013T>G (p.Met338Arg)

Gene: KRT14 (keratin 14; minus strand). Cytogenetic location: 17q21.2.
Variant type: single nucleotide variant.
Coding change: c.1013T>G on transcript NM_000526.5 (MANE Select); coding-DNA position 1013, T replaced by G.
Protein change: p.Met338Arg; replaces methionine 338 with arginine.
Molecular consequence: missense variant.
Genome position (GRCh38, 1-based): chr17:41,583,591, A>C on the plus strand (T>G on the coding strand, the complement: KRT14 is on the minus strand). VCF-style: chr17-41583591-A-C. GRCh37 (hg19) VCF-style: chr17-39739843-A-C.
Other names: short protein forms M338R.
Identifiers: ClinVar variation 4799724 (VCV004799724.1).

ClinVar aggregate classification (germline): Uncertain significance (1 of 4 stars; one submission).

gnomAD v4.1: 176 of 1,614,046 alleles (0.011%); highest among the groups gnomAD compares: Non-Finnish European, 0.014%; no homozygotes.

Submission:

Labcorp Genetics (formerly Invitae), Labcorp
Classification: Uncertain significance. Last evaluated: 2025-07-24. Review status: criteria provided, single submitter. Criteria: Invitae Variant Classification Sherloc (09022015). Collection method: clinical testing. Allele origin: germline.
Comment: This sequence change replaces methionine, which is neutral and non-polar, with arginine, which is basic and polar, at codon 338 of the KRT14 protein (p.Met338Arg). This variant is present in population databases (rs201507105, gnomAD 0.02%). This variant has not been reported in the literature in individuals affected with KRT14-related conditions. Invitae Evidence Modeling of protein sequence and biophysical properties (such as structural, functional, and spatial information, amino acid conservation, physicochemical variation, residue mobility, and thermodynamic stability) indicates that this missense variant is not expected to disrupt KRT14 protein function with a negative predictive value of 80%. In summary, the available evidence is currently insufficient to determine the role of this variant in disease. Therefore, it has been classified as a Variant of Uncertain Significance.